The following is an entry in ClinVar:

NM_199355.4(ADAMTS18):c.749del (p.Lys250fs)

Gene: ADAMTS18 (ADAM metallopeptidase with thrombospondin type 1 motif 18; minus strand). Cytogenetic location: 16q23.1.
Variant type: Deletion.
Coding change: c.749del on transcript NM_199355.4 (MANE Select); coding-DNA position 749, one base deleted (A; older notation c.749delA).
Protein change: p.Lys250fs; shifts the reading frame from lysine 250.
Molecular consequence: frameshift variant.
Genome position (GRCh38, 1-based): chr16:77,367,470, T deleted on the plus strand (A on the coding strand, the reverse complement: ADAMTS18 is on the minus strand); the first of 4 consecutive T bases (chr16:77,367,470-77,367,473); deleting any one gives the same sequence. VCF-style (leftmost placement, unchanged base first): chr16-77367469-CT-C. GRCh37 (hg19) VCF-style: chr16-77401366-CT-C.
Other names: c.229del, p.Ser77fs (NM_001326358.2); short protein forms S77fs, K250fs.
Identifiers: ClinVar variation 2853408 (VCV002853408.3), dbSNP rs2543756421, ClinGen allele CA2739266897.

ClinVar aggregate classification (germline): Pathogenic (1 of 4 stars; one submission).

Submission:

Labcorp Genetics (formerly Invitae), Labcorp
Classification: Pathogenic. Last evaluated: 2023-04-07. Review status: criteria provided, single submitter. Criteria: Invitae Variant Classification Sherloc (09022015). Collection method: clinical testing. Allele origin: germline.
Comment: For these reasons, this variant has been classified as Pathogenic. This variant has not been reported in the literature in individuals affected with ADAMTS18-related conditions. This variant is not present in population databases (gnomAD no frequency). This sequence change creates a premature translational stop signal (p.Lys250Serfs*22) in the ADAMTS18 gene. It is expected to result in an absent or disrupted protein product. Loss-of-function variants in ADAMTS18 are known to be pathogenic (PMID: 23818446, 24874986).

Literature cited by the submitters: PubMed 23818446; PubMed 24874986.